The following is an entry in ClinVar:

NM_000388.4(CASR):c.2792AGC[6] (p.Gln934_Pro935insGlnGln)

Gene: CASR (calcium sensing receptor; plus strand). Cytogenetic location: 3q21.1.
Variant type: Microsatellite.
Coding change: c.2792AGC[6] on transcript NM_000388.4 (MANE Select); six copies in a row of the 3-base unit AGC starting at c.2792; the reference has four copies in a row; two copies, 6 bases duplicated.
Protein change: p.Gln934_Pro935insGlnGln.
Molecular consequence: inframe insertion.
Genome position (GRCh38, 1-based): chr3:122,284,752-122,284,757, AGCAGC duplicated; duplicating any 6 consecutive bases within chr3:122,284,746-122,284,757 gives the same sequence; the position shown is the placement nearest the transcript's 3' end. VCF-style (leftmost placement, unchanged base first): chr3-122284745-A-AAGCAGC. GRCh37 (hg19) VCF-style: chr3-122003592-A-AAGCAGC.
Other names: c.2822AGC[6], p.Gln944_Pro945insGlnGln (NM_001178065.2).
Identifiers: ClinVar variation 2100731 (VCV002100731.4), dbSNP rs2473281959, ClinGen allele CA2580616519.

ClinVar aggregate classification (germline): Uncertain significance (1 of 4 stars; one submission).

Conditions:
Familial hypocalciuric hypercalcemia (FHH). Also called: Familial benign hypercalcemia. Identifiers: Orphanet 405, MedGen C1809471, MONDO:0018458.
Autosomal dominant hypocalcemia 1 (HYPOC1). Also called: HYPOCALCEMIA, FAMILIAL. Identifiers: MedGen C3715128, MONDO:0011013, OMIM 601198.

Submission:

Labcorp Genetics (formerly Invitae), Labcorp
Classification: Uncertain significance for Familial hypocalciuric hypercalcemia; Autosomal dominant hypocalcemia 1. Last evaluated: 2022-02-20. Review status: criteria provided, single submitter. Criteria: Invitae Variant Classification Sherloc (09022015). Collection method: clinical testing. Allele origin: germline.
Comment: This variant, c.2798_2803dup, results in the insertion of 2 amino acid(s) of the CASR protein (p.Gln933_Gln934dup), but otherwise preserves the integrity of the reading frame. This variant is not present in population databases (gnomAD no frequency). This variant has not been reported in the literature in individuals affected with CASR-related conditions. In summary, the available evidence is currently insufficient to determine the role of this variant in disease. Therefore, it has been classified as a Variant of Uncertain Significance.